The following is an entry in ClinVar:

NM_001378454.1(ALMS1):c.10287_10288del (p.Lys3430fs)

Gene: ALMS1 (ALMS1 centrosome and basal body associated protein; plus strand). Cytogenetic location: 2p13.1.
Variant type: Deletion.
Coding change: c.10287_10288del on transcript NM_001378454.1 (MANE Select); coding-DNA positions 10287 to 10288, 2 bases deleted (TA; older notation c.10287_10288delTA).
Protein change: p.Lys3430fs; shifts the reading frame from lysine 3430.
Molecular consequence: frameshift variant.
Genome position (GRCh38, 1-based): chr2:73,559,045-73,559,046, TA deleted. VCF-style (leftmost placement, unchanged base first): chr2-73559044-CTA-C. GRCh37 (hg19) VCF-style: chr2-73786171-CTA-C.
Other names: c.10290_10291delTA (NM_015120.4); c.10290_10291del, p.Lys3431fs (NM_015120.4); short protein forms K3431fs, K3430fs.
Identifiers: ClinVar variation 556390 (VCV000556390.4), dbSNP rs1553417044, ClinGen allele CA658822826.

ClinVar aggregate classification (germline): Likely pathogenic. Review status: no assertion criteria provided (0 of 4 stars). 2 submissions from 2 submitters: Likely pathogenic (2). Last evaluated 2018-01-26.

Conditions:
Alstrom syndrome (ALMS). Identifiers: Orphanet 64, MedGen C0268425, MONDO:0008763, OMIM 203800.

Submissions (2):

Counsyl
Classification: Likely pathogenic for Alstrom syndrome. Last evaluated: 2018-01-26. Review status: no assertion criteria provided. Collection method: clinical testing. Allele origin: unknown.

Department of Pediatrics, National Cheng-Kung University Hospital
Classification: Likely pathogenic for Alstrom syndrome. Review status: no assertion criteria provided. Collection method: clinical testing. Allele origin: germline. Inheritance: Autosomal recessive inheritance. Affected: yes.
Comment: The L3430fs variant in ALMS1 is a frameshift mutation predicted to cause premature protein truncation, despite the absence of a functional assay. Multiple computational predictive software tools support its pathogenicity. Notably, the variant is located at the mutational hotspot of the ALMS1 gene. In summary, the variant meets one very strong (PVS1), one moderate (PM2), and two supporting (PP3 and PP4) ACMG criteria during variant interpretation. It is interpreted as pathogenic by ACMG guideline. However, additional experimental data are needed to provide final evidence. Therefore, this variant was classified as likely Pathogenic.